The following is an entry in ClinVar:

ClinVar aggregate classification (germline): Uncertain significance (1 of 4 stars; one submission).

gnomAD v4.1: 8 of 1,614,134 alleles (0.0005%); highest among the groups gnomAD compares: Non-Finnish European, 0.00051%; no homozygotes.

Submission:

Ambry Genetics
Classification: Uncertain significance. Last evaluated: 2025-06-06. Review status: criteria provided, single submitter. Criteria: Ambry Variant Classification Scheme 2023. Collection method: clinical testing. Allele origin: germline.
Comment: The p.A599G variant (also known as c.1796C>G), located in coding exon 2 of the CDK12 gene, results from a C to G substitution at nucleotide position 1796. The alanine at codon 599 is replaced by glycine, an amino acid with similar properties. This amino acid position is conserved. In addition, this alteration is predicted to be tolerated by in silico analysis. Based on the available evidence, the clinical significance of this variant remains unclear.

NM_016507.4(CDK12):c.1796C>G (p.Ala599Gly)

Gene: CDK12 (cyclin dependent kinase 12; plus strand). Cytogenetic location: 17q12.
Variant type: single nucleotide variant.
Coding change: c.1796C>G on transcript NM_016507.4 (MANE Select); coding-DNA position 1796, C replaced by G.
Protein change: p.Ala599Gly; replaces alanine 599 with glycine.
Molecular consequence: missense variant.
Genome position (GRCh38, 1-based): chr17:39,471,628, C>G. VCF-style: chr17-39471628-C-G. GRCh37 (hg19) VCF-style: chr17-37627881-C-G.
Other names: c.1796C>G, p.Ala599Gly (NM_015083.4); short protein forms A599G.
Identifiers: ClinVar variation 3999537 (VCV003999537.1).